The following is an entry in ClinVar:

NM_001286577.2(C2CD3):c.4738A>G (p.Ser1580Gly)

Gene: C2CD3 (C2 domain containing 3 centriole elongation regulator; minus strand). Cytogenetic location: 11q13.4.
Variant type: single nucleotide variant.
Coding change: c.4738A>G on transcript NM_001286577.2 (MANE Select); coding-DNA position 4738, A replaced by G.
Protein change: p.Ser1580Gly; replaces serine 1580 with glycine.
Molecular consequence: missense variant.
Genome position (GRCh38, 1-based): chr11:74,074,466, T>C on the plus strand (A>G on the coding strand, the complement: C2CD3 is on the minus strand). VCF-style: chr11-74074466-T-C. GRCh37 (hg19) VCF-style: chr11-73785511-T-C.
Other names: c.4738A>G (NM_015531.4); c.4738A>G, p.Ser1580Gly (NM_015531.6); short protein forms S1580G.
Identifiers: ClinVar variation 2741112 (VCV002741112.4), dbSNP rs906240521, ClinGen allele CA224493709.

ClinVar aggregate classification (germline): Uncertain significance. Review status: criteria provided, multiple submitters, no conflicts (2 of 4 stars). 2 submissions from 2 submitters: Uncertain significance (2). Last evaluated 2025-04-03.

Conditions:
Inborn genetic diseases. Identifiers: MedGen C0950123, MeSH D030342.

Allele frequency attached by ClinVar (database versions not stated): TOPMed below 0.00001; gnomAD 0.00001; gnomAD exomes 0.00002.
gnomAD v4.1: 28 of 1,614,066 alleles (0.0017%); highest among the groups gnomAD compares: Non-Finnish European, 0.0023%; no homozygotes.

Submissions (2):

Ambry Genetics
Classification: Uncertain significance for Inborn genetic diseases. Last evaluated: 2025-04-03. Review status: criteria provided, single submitter. Criteria: Ambry Variant Classification Scheme 2023. Collection method: clinical testing. Allele origin: germline.

Labcorp Genetics (formerly Invitae), Labcorp
Classification: Uncertain significance. Last evaluated: 2023-02-03. Review status: criteria provided, single submitter. Criteria: Invitae Variant Classification Sherloc (09022015). Collection method: clinical testing. Allele origin: germline.
Comment: This sequence change replaces serine, which is neutral and polar, with glycine, which is neutral and non-polar, at codon 1580 of the C2CD3 protein (p.Ser1580Gly). This variant is present in population databases (no rsID available, gnomAD 0.003%). This variant has not been reported in the literature in individuals affected with C2CD3-related conditions. Advanced modeling of protein sequence and biophysical properties (such as structural, functional, and spatial information, amino acid conservation, physicochemical variation, residue mobility, and thermodynamic stability) performed at Invitae indicates that this missense variant is expected to disrupt C2CD3 protein function. Algorithms developed to predict the effect of sequence changes on RNA splicing suggest that this variant may create or strengthen a splice site. In summary, the available evidence is currently insufficient to determine the role of this variant in disease. Therefore, it has been classified as a Variant of Uncertain Significance.